The following is an entry in ClinVar:

ClinVar aggregate classification (germline): Uncertain significance. Review status: criteria provided, multiple submitters, no conflicts (2 of 4 stars). 2 submissions from 2 submitters: Uncertain significance (2). Last evaluated 2024-03-07.

Conditions:
Hereditary cancer-predisposing syndrome. Also called: Hereditary Cancer Syndrome; Hereditary neoplastic syndrome; Neoplastic Syndromes, Hereditary; Tumor predisposition. Identifiers: Orphanet 140162, MedGen C0027672, MeSH D009386, MONDO:0015356.

Submissions (2):

Color Diagnostics, LLC DBA Color Health
Classification: Uncertain significance for Hereditary cancer-predisposing syndrome. Last evaluated: 2024-03-07. Review status: criteria provided, single submitter. Criteria: ACMG Guidelines, 2015. Collection method: clinical testing. Allele origin: germline.
Comment: This missense variant replaces glutamic acid with aspartic acid at codon 332 of the MSH6 protein. Computational prediction suggests that this variant may not impact protein structure and function (internally defined REVEL score threshold <= 0.5, PMID: 27666373). To our knowledge, functional studies have not been reported for this variant. This variant has not been reported in individuals affected with hereditary cancer in the literature. This variant has not been identified in the general population by the Genome Aggregation Database (gnomAD). The available evidence is insufficient to determine the role of this variant in disease conclusively. Therefore, this variant is classified as a Variant of Uncertain Significance.

Ambry Genetics
Classification: Uncertain significance for Hereditary cancer-predisposing syndrome. Last evaluated: 2019-12-12. Review status: criteria provided, single submitter. Criteria: Ambry Variant Classification Scheme 2023. Collection method: clinical testing. Allele origin: germline.
Comment: The p.E332D variant (also known as c.996A>C), located in coding exon 4 of the MSH6 gene, results from an A to C substitution at nucleotide position 996. The glutamic acid at codon 332 is replaced by aspartic acid, an amino acid with highly similar properties. This amino acid position is well conserved in available vertebrate species. In addition, this alteration is predicted to be tolerated by in silico analysis. Since supporting evidence is limited at this time, the clinical significance of this alteration remains unclear.

NM_000179.3(MSH6):c.996A>C (p.Glu332Asp)

Gene: MSH6 (mutS homolog 6; plus strand). Cytogenetic location: 2p16.3.
Variant type: single nucleotide variant.
Coding change: c.996A>C on transcript NM_000179.3 (MANE Select); coding-DNA position 996, A replaced by C.
Protein change: p.Glu332Asp; replaces glutamic acid 332 with aspartic acid.
Molecular consequence: missense variant.
Genome position (GRCh38, 1-based): chr2:47,798,979, A>C. VCF-style: chr2-47798979-A-C. GRCh37 (hg19) VCF-style: chr2-48026118-A-C.
Other names: c.606A>C, p.Glu202Asp (NM_001281492.2); c.90A>C, p.Glu30Asp (NM_001281493.2, NM_001281494.2, NM_001406811.1 and 6 more transcripts); c.1092A>C, p.Glu364Asp (NM_001406795.1, NM_001406802.1); c.996A>C, p.Glu332Asp (NM_001406796.1, NM_001406798.1, NM_001406800.1 and 4 more transcripts); c.699A>C, p.Glu233Asp (NM_001406797.1, NM_001406801.1, NM_001406805.1 and 10 more transcripts); c.471A>C, p.Glu157Asp (NM_001406799.1, NM_001406806.1, NM_001406807.1); c.918A>C, p.Glu306Asp (NM_001406804.1); c.1002A>C, p.Glu334Asp (NM_001406813.1); and 1 more; short protein forms E276D, E306D, E157D, E233D, E364D, E202D, E30D, E334D.
Identifiers: ClinVar variation 1768750 (VCV001768750.3), dbSNP rs2104312190, ClinGen allele CA346741142.